The following is an entry in ClinVar:

ClinVar aggregate classification (germline): Likely benign (1 of 4 stars; one submission).

Conditions:
Classic or attenuated familial adenomatous polyposis. Identifiers: MedGen CN372698, MONDO:0021057.

Submission:

All of Us Research Program, National Institutes of Health
Classification: Likely benign for Classic or attenuated familial adenomatous polyposis. Last evaluated: 2024-08-23. Review status: criteria provided, single submitter. Criteria: ACMG Guidelines, 2015. Collection method: clinical testing. Allele origin: germline. Inheritance: Autosomal dominant inheritance. Observed: 1 variant allele, 1 heterozygote.
Comment: This study involves interpretation of variants in research participants for the purpose of population health screening. Participant phenotype was not available at the time of variant classification. Additional details can be found in publication PMID: 35346344, PMCID: PMC8962531

NM_000038.6(APC):c.4188T>C (p.Phe1396=)

Gene: APC (APC regulator of WNT signaling pathway; plus strand). Cytogenetic location: 5q22.2.
Variant type: single nucleotide variant.
Coding change: c.4188T>C on transcript NM_000038.6 (MANE Select); coding-DNA position 4188, T replaced by C.
Protein change: p.Phe1396=; no amino-acid change (phenylalanine 1396 retained).
Molecular consequence: synonymous variant. On other transcripts: non-coding transcript variant (2).
Genome position (GRCh38, 1-based): chr5:112,839,782, T>C. VCF-style: chr5-112839782-T-C. GRCh37 (hg19) VCF-style: chr5-112175479-T-C.
Other names: c.4188T>C, p.Phe1396= (NM_001127510.3, NM_001354895.2, NM_001407450.1); c.4134T>C, p.Phe1378= (NM_001127511.3); c.4242T>C, p.Phe1414= (NM_001354896.2, NM_001407447.1, NM_001407448.1 and 1 more transcripts); c.4218T>C, p.Phe1406= (NM_001354897.2); c.4113T>C, p.Phe1371= (NM_001354898.2); c.4104T>C, p.Phe1368= (NM_001354899.2); c.4065T>C, p.Phe1355= (NM_001354900.2); c.4011T>C, p.Phe1337= (NM_001354901.2, NM_001407453.1); and 11 more.
Identifiers: ClinVar variation 3386627 (VCV003386627.1).